The following is an entry in ClinVar:

ClinVar aggregate classification (germline): Likely benign (1 of 4 stars; one submission).

Conditions:
Familial adenomatous polyposis 1 (FAP1). Also called: POLYPOSIS, ADENOMATOUS INTESTINAL; FAMILIAL ADENOMATOUS POLYPOSIS 1, ATTENUATED. Identifiers: MedGen C2713442, MONDO:0021056, OMIM 175100. Disease mechanism: loss of function.

Submission:

Myriad Genetics, Inc.
Classification: Likely benign for Familial adenomatous polyposis 1. Last evaluated: 2024-03-01. Review status: criteria provided, single submitter. Criteria: Myriad Autosomal Dominant, Autosomal Recessive and X-Linked Classification Criteria (2023). Collection method: clinical testing. Allele origin: unknown.
Comment: This variant is considered likely benign. This variant is intronic and is not expected to impact mRNA splicing.

NM_000038.6(APC):c.1409-19C>T

Gene: APC (APC regulator of Wnt signaling pathway; plus strand). Cytogenetic location: 5q22.2.
Variant type: single nucleotide variant.
Coding change: c.1409-19C>T on transcript NM_000038.6 (MANE Select); 19 bases into the intron before coding-DNA position 1409, C replaced by T.
Molecular consequence: intron variant.
Genome position (GRCh38, 1-based): chr5:112,827,089, C>T. VCF-style: chr5-112827089-C-T. GRCh37 (hg19) VCF-style: chr5-112162786-C-T.
Other names: c.560-19C>T (NM_001407470.1, NM_001354906.2); c.257-19C>T (NM_001407472.1, NM_001407471.1); c.1463-19C>T (NM_001407447.1, NM_001407448.1, NM_001407449.1 and 1 more transcripts); c.1409-19C>T (NM_001354895.2, NM_001407450.1, NM_001127510.3); c.1160-19C>T (NM_001407456.1, NM_001407457.1, NM_001407455.1 and 1 more transcripts); c.1106-19C>T (NM_001407460.1, NM_001407458.1, NM_001407459.1 and 1 more transcripts); c.1379-19C>T (NM_001407452.1); c.1022-19C>T (NM_001407469.1, NM_001407467.1); and 11 more.
Identifiers: ClinVar variation 3148358 (VCV003148358.1), dbSNP rs763168564, ClinGen allele CA1573504774.